The following is an entry in ClinVar:

NM_001267550.2(TTN):c.48760+11T>C

Genes: TTN (titin; minus strand), TTN-AS1 (TTN antisense RNA 1; plus strand), LOC126806426 (BRD4-independent group 4 enhancer GRCh37_chr2:179478848-179480047; plus strand). Cytogenetic location: 2q31.2.
Variant type: single nucleotide variant.
Coding change: c.48760+11T>C on transcript NM_001267550.2 (MANE Select); 11 bases into the intron after coding-DNA position 48760, T replaced by C.
Molecular consequence: intron variant.
Genome position (GRCh38, 1-based): chr2:178,614,836, A>G on the plus strand (T>C on the coding strand, the complement: TTN is on the minus strand). VCF-style: chr2-178614836-A-G. GRCh37 (hg19) VCF-style: chr2-179479563-A-G.
Other names: c.43837+11T>C (NM_001256850.1); c.21565+11T>C (NM_003319.4); c.22141+11T>C (NM_133437.4); c.21940+11T>C (NM_133432.3); c.41056+11T>C (NM_133378.4).
Identifiers: ClinVar variation 509350 (VCV000509350.4), dbSNP rs759878678, ClinGen allele CA1994755.
Genomic context (GRCh38, chr2:178,614,836, plus strand): 5'-TGATGTTATCAAGTTCAAGCAGATTTAAGGTCAGAGGCCTATTTGATAAGACAAAAATCA[A>G]AAATAGATACCTTGTGTGTCCACAGCCTGGATTTCCTCTGTGGGTCTGCTTGGTTTGCTA-3'

ClinVar aggregate classification (germline): Likely benign. Review status: criteria provided, multiple submitters, no conflicts (2 of 4 stars). 2 submissions from 2 submitters: Likely benign (2). Last evaluated 2023-07-18.

Conditions:
Dilated cardiomyopathy 1G (CMD1G). Identifiers: Orphanet 154, MedGen C1858763, MONDO:0011400, OMIM 604145.
Autosomal recessive limb-girdle muscular dystrophy type 2J (LGMDR10). Also called: Limb-girdle muscular dystrophy, type 2J; MUSCULAR DYSTROPHY, LIMB-GIRDLE, AUTOSOMAL RECESSIVE 10. Identifiers: Orphanet 140922, MedGen C1837342, MONDO:0012127, OMIM 608807.

Allele frequency attached by ClinVar (database versions not stated): gnomAD 0.00001; gnomAD exomes 0.00001 and 0.00002; ExAC 0.00007.
gnomAD v4.1: 5 of 1,574,332 alleles (0.00032%); highest among the groups gnomAD compares: Non-Finnish European, 0.00043%; no homozygotes.

Submissions (2):

Labcorp Genetics (formerly Invitae), Labcorp
Classification: Likely benign for Dilated cardiomyopathy 1G; Autosomal recessive limb-girdle muscular dystrophy type 2J. Last evaluated: 2023-07-18. Review status: criteria provided, single submitter. Criteria: Invitae Variant Classification Sherloc (09022015). Collection method: clinical testing. Allele origin: germline.

GeneDx
Classification: Likely benign. Last evaluated: 2017-05-01. Review status: criteria provided, single submitter. Criteria: GeneDx Variant Classification (06012015). Collection method: clinical testing. Allele origin: germline. Affected: yes.
Comment: This variant is considered likely benign or benign based on one or more of the following criteria: it is a conservative change, it occurs at a poorly conserved position in the protein, it is predicted to be benign by multiple in silico algorithms, and/or has population frequency not consistent with disease.